The following is an entry in ClinVar:

NM_001382391.1(CSPP1):c.2710+6G>A

Gene: CSPP1 (centrosome and spindle pole associated protein 1; plus strand). Cytogenetic location: 8q13.2.
Variant type: single nucleotide variant.
Coding change: c.2710+6G>A on transcript NM_001382391.1 (MANE Select); 6 bases into the intron after coding-DNA position 2710, G replaced by A.
Molecular consequence: intron variant.
Genome position (GRCh38, 1-based): chr8:67,163,804, G>A. VCF-style: chr8-67163804-G-A. GRCh37 (hg19) VCF-style: chr8-68076039-G-A.
Other names: c.2515+6G>A (NM_001363132.2); c.2629+6G>A (NM_001363131.2); c.2434+6G>A (NM_001363133.2); c.2776+6G>A (NM_001364869.1); c.2695+6G>A (NM_024790.7, NM_001438331.1); c.2542+6G>A (NM_001438330.1); c.2596+6G>A (NM_001364870.1); c.2011+6G>A (NM_001438332.1); and 1 more.
Identifiers: ClinVar variation 1413296 (VCV001413296.7), dbSNP rs369255080, ClinGen allele CA4770912.

ClinVar aggregate classification (germline): Conflicting classifications of pathogenicity. Review status: criteria provided, conflicting classifications (1 of 4 stars). 3 submissions from 3 submitters: Uncertain significance (1); Likely benign (1). 1 of the submissions does not count toward it. Last evaluated 2023-09-25.

Conditions:
CSPP1-related disorder. Also called: CSPP1-related condition.
Joubert syndrome 21 (JBTS21). Identifiers: MedGen C3810212, MONDO:0014288, OMIM 615636.

Allele frequency attached by ClinVar (database versions not stated): ExAC 0.00003; gnomAD 0.00005; gnomAD exomes 0.00005 and 0.00010; TOPMed 0.00006; ESP Exome Variant Server 0.00008.
gnomAD v4.1: 150 of 1,601,776 alleles (0.0094%); highest among the groups gnomAD compares: Non-Finnish European, 0.012%; no homozygotes.

Submissions (3):

Labcorp Genetics (formerly Invitae), Labcorp
Classification: Uncertain significance for Joubert syndrome 21. Last evaluated: 2023-09-25. Review status: criteria provided, single submitter. Criteria: Invitae Variant Classification Sherloc (09022015). Collection method: clinical testing. Allele origin: germline.
Comment: This sequence change falls in intron 21 of the CSPP1 gene. It does not directly change the encoded amino acid sequence of the CSPP1 protein. It affects a nucleotide within the consensus splice site. This variant is present in population databases (rs369255080, gnomAD 0.01%). This variant has not been reported in the literature in individuals affected with CSPP1-related conditions. ClinVar contains an entry for this variant (Variation ID: 1413296). Variants that disrupt the consensus splice site are a relatively common cause of aberrant splicing (PMID: 17576681, 9536098). Algorithms developed to predict the effect of sequence changes on RNA splicing suggest that this variant is not likely to affect RNA splicing. In summary, the available evidence is currently insufficient to determine the role of this variant in disease. Therefore, it has been classified as a Variant of Uncertain Significance.

Blueprint Genetics
Classification: Likely benign. Last evaluated: 2023-04-19. Review status: criteria provided, single submitter. Criteria: ACMG Guidelines, 2015. Collection method: clinical testing. Allele origin: germline.

PreventionGenetics, part of Exact Sciences
Classification: Likely benign for CSPP1-related condition. Last evaluated: 2019-05-02. Review status: no assertion criteria provided. Collection method: clinical testing. Allele origin: germline. Not counted in ClinVar's aggregate classification.
Comment: This variant is classified as likely benign based on ACMG/AMP sequence variant interpretation guidelines (Richards et al. 2015 PMID: 25741868, with internal and published modifications).

Literature cited by the submitters: PubMed 17576681 (cited by Labcorp Genetics (formerly Invitae), Labcorp); PubMed 9536098 (cited by Labcorp Genetics (formerly Invitae), Labcorp).